The following is an entry in ClinVar:

NM_001367624.2(ZNF469):c.10884T>G (p.Gly3628=)

Gene: ZNF469 (zinc finger protein 469; plus strand). Cytogenetic location: 16q24.2.
Variant type: single nucleotide variant.
Coding change: c.10884T>G on transcript NM_001367624.2 (MANE Select); coding-DNA position 10884, T replaced by G.
Protein change: p.Gly3628=; no amino-acid change (glycine 3628 retained).
Molecular consequence: synonymous variant.
Genome position (GRCh38, 1-based): chr16:88,438,354, T>G. VCF-style: chr16-88438354-T-G. GRCh37 (hg19) VCF-style: chr16-88504762-T-G.
Other names: NM_001127464.2:c.10800T>G.
Identifiers: ClinVar variation 3058732 (VCV003058732.2), dbSNP rs2507607784, ClinGen allele CA497359318.
Genomic context (GRCh38, chr16:88,438,354, plus strand): 5'-CCAAGATGCGGAGGGAAAGAGGGCTCCTCTCGTGTTCTCAGGGAAACGCAGGGCCCCGGG[T>G]GCCCGTGGCAGGTGTGCCCCTGACCATTTCCAGGAAGACCACCTACTTCAGAAAGAGAAG-3'
Protein context (NP_001354553.1, residues 3618-3638): LVFSGKRRAP[Gly3628=]ARGRCAPDHF

ClinVar aggregate classification (germline): Likely benign (0 of 4 stars; one submission).

Conditions:
ZNF469-related disorder. Also called: ZNF469-related condition.

Submission:

PreventionGenetics, part of Exact Sciences
Classification: Likely benign for ZNF469-related condition. Last evaluated: 2021-12-07. Review status: no assertion criteria provided. Collection method: clinical testing. Allele origin: germline.
Comment: This variant is classified as likely benign based on ACMG/AMP sequence variant interpretation guidelines (Richards et al. 2015 PMID: 25741868, with internal and published modifications).